The following is an entry in ClinVar:

NM_000256.3(MYBPC3):c.1927+1G>T

Gene: MYBPC3 (myosin binding protein C3; minus strand). Cytogenetic location: 11p11.2.
Variant type: single nucleotide variant.
Coding change: c.1927+1G>T on transcript NM_000256.3 (MANE Select); the canonical splice donor site of the intron after coding-DNA position 1927, G replaced by T.
Molecular consequence: splice donor variant.
Genome position (GRCh38, 1-based): chr11:47,341,002, C>A on the plus strand (G>T on the coding strand, the complement: MYBPC3 is on the minus strand). VCF-style: chr11-47341002-C-A. GRCh37 (hg19) VCF-style: chr11-47362553-C-A.
Identifiers: ClinVar variation 1333968 (VCV001333968.3), dbSNP rs2142859053, ClinGen allele CA380323200.
Genomic context (GRCh38, chr11:47,341,002, plus strand): 5'-CCTGCGTGGGTGGGTTGCGGGAAAGTGAGCAGAACCAAGACTCAGGGGCCCCAAGACTTA[C>A]CCTGCCTGGGTACGAAGTCAATCTTGACCTCTGCAAGAGAAGGAAGAGCAAGTAGCACGG-3'

ClinVar aggregate classification (germline): Likely pathogenic. Review status: criteria provided, multiple submitters, no conflicts (2 of 4 stars). 2 submissions from 2 submitters: Likely pathogenic (2). Last evaluated 2024-08-20.

Conditions:
Hypertrophic cardiomyopathy 4. Also called: Familial hypertrophic cardiomyopathy 4. Identifiers: MedGen C1861862, MONDO:0007268, OMIM 115197.
Hypertrophic cardiomyopathy. Also called: HYPERTROPHIC MYOCARDIOPATHY. Identifiers: Orphanet 217569, MedGen C0007194, MeSH D002312, MONDO:0005045, HP:0001639.

Allele frequency attached by ClinVar (database versions not stated): gnomAD exomes below 0.00001.
gnomAD v4.1: 1 of 1,565,034 alleles (0.000064%); highest among the groups gnomAD compares: Non-Finnish European, 0.000086%; no homozygotes.

Submissions (2):

Labcorp Genetics (formerly Invitae), Labcorp
Classification: Likely pathogenic for Hypertrophic cardiomyopathy. Last evaluated: 2024-08-20. Review status: criteria provided, single submitter. Criteria: Invitae Variant Classification Sherloc (09022015). Collection method: clinical testing. Allele origin: germline.
Comment: This sequence change affects a donor splice site in intron 20 of the MYBPC3 gene. It is expected to disrupt RNA splicing. Variants that disrupt the donor or acceptor splice site typically lead to a loss of protein function (PMID: 16199547), and loss-of-function variants in MYBPC3 are known to be pathogenic (PMID: 19574547). This variant is not present in population databases (gnomAD no frequency). This variant has not been reported in the literature in individuals affected with MYBPC3-related conditions. ClinVar contains an entry for this variant (Variation ID: 1333968). Algorithms developed to predict the effect of sequence changes on RNA splicing suggest that this variant may disrupt the consensus splice site. In summary, the currently available evidence indicates that the variant is pathogenic, but additional data are needed to prove that conclusively. Therefore, this variant has been classified as Likely Pathogenic.

CENTOGENE GmbH and LLC - Guiding Precision Medicine
Classification: Likely pathogenic for Hypertrophic cardiomyopathy 4. Last evaluated: 2018-04-10. Review status: criteria provided, single submitter. Criteria: ACMG Guidelines, 2015. Collection method: clinical testing. Allele origin: germline. Affected: yes.

Literature cited by the submitters: PubMed 16199547 (cited by Labcorp Genetics (formerly Invitae), Labcorp); PubMed 19574547 (cited by Labcorp Genetics (formerly Invitae), Labcorp).